The following is an entry in ClinVar:

NM_000059.4(BRCA2):c.1364del (p.Lys454_Ser455insTer)

Gene: BRCA2 (BRCA2 DNA repair associated; plus strand). Cytogenetic location: 13q13.1.
Variant type: Deletion.
Coding change: c.1364del on transcript NM_000059.4 (MANE Select); coding-DNA position 1364, one base deleted (C; older notation c.1364delC).
Protein change: p.Lys454_Ser455insTer.
Molecular consequence: nonsense.
Genome position (GRCh38, 1-based): chr13:32,332,842, C deleted. VCF-style (leftmost placement, unchanged base first): chr13-32332841-TC-T. GRCh37 (hg19) VCF-style: chr13-32906978-TC-T.
Other names: c.1364delC (NM_000059.3).
Identifiers: ClinVar variation 1070316 (VCV001070316.13), dbSNP rs2137470678, ClinGen allele CA2499222080.

ClinVar aggregate classification (germline): Pathogenic. Review status: criteria provided, multiple submitters, no conflicts (2 of 4 stars). 3 submissions from 3 submitters: Pathogenic (3). Last evaluated 2026-05-22.

Conditions:
Hereditary cancer-predisposing syndrome. Also called: Hereditary neoplastic syndrome; Neoplastic Syndromes, Hereditary; Tumor predisposition; Hereditary Cancer Syndrome. Identifiers: Orphanet 140162, MedGen C0027672, MeSH D009386, MONDO:0015356.
Hereditary breast ovarian cancer syndrome. Also called: Hereditary breast and ovarian cancer syndrome; Hereditary breast and/or ovarian cancer syndrome; Hereditary breast and ovarian cancer; Hereditary breast and ovarian cancer syndrome (HBOC); BRCA1- and BRCA2-Associated Hereditary Breast and Ovarian Cancer; Breast and ovarian cancer. Identifiers: Orphanet 145, MedGen C0677776, MeSH D061325, MONDO:0003582. Disease mechanism: loss of function.

Submissions (3):

Ambry Genetics
Classification: Pathogenic for Hereditary cancer-predisposing syndrome. Last evaluated: 2026-05-22. Review status: criteria provided, single submitter. Criteria: Ambry Variant Classification Scheme 2023. Collection method: clinical testing. Allele origin: germline.
Comment: The c.1364delC pathogenic mutation, located in coding exon 9 of the BRCA2 gene, results from a deletion of one nucleotide at nucleotide position 1364, causing a translational frameshift with a predicted alternate stop codon (p.S455*). This variant is considered to be rare based on population cohorts in the Genome Aggregation Database (gnomAD). This alteration is expected to result in loss of function by premature protein truncation or nonsense-mediated mRNA decay. As such, this alteration is interpreted as a disease-causing mutation.

Women's Health and Genetics/Laboratory Corporation of America, LabCorp
Classification: Pathogenic for Hereditary breast ovarian cancer syndrome. Last evaluated: 2026-05-18. Review status: criteria provided, single submitter. Criteria: LabCorp Variant Classification Summary - May 2015. Collection method: clinical testing. Allele origin: germline.
Comment: Variant summary: BRCA2 c.1364delC (p.Ser455X) results in a premature termination codon, predicted to cause a truncation of the encoded protein or absence of the protein due to nonsense mediated decay, which are commonly known mechanisms for disease. The variant was absent in 248076 control chromosomes. c.1364delC has been observed in individual(s) affected with BRCA2-related conditions (Couch_2015). These report(s) do not provide unequivocal conclusions about association of the variant with disease. To our knowledge, no experimental evidence demonstrating an impact on protein function has been reported. The following publication has been ascertained in the context of this evaluation (PMID: 25452441). ClinVar contains an entry for this variant (Variation ID: 1070316). Based on the evidence outlined above, the variant was classified as pathogenic.

Labcorp Genetics (formerly Invitae), Labcorp
Classification: Pathogenic for Hereditary breast ovarian cancer syndrome. Last evaluated: 2026-01-13. Review status: criteria provided, single submitter. Criteria: Invitae Variant Classification Sherloc (09022015). Collection method: clinical testing. Allele origin: germline.
Comment: This sequence change creates a premature translational stop signal (p.Ser455*) in the BRCA2 gene. It is expected to result in an absent or disrupted protein product. Loss-of-function variants in BRCA2 are known to be pathogenic (PMID: 20104584). This variant is not present in population databases (gnomAD no frequency). This premature translational stop signal has been observed in individual(s) with breast cancer (PMID: 25452441). ClinVar contains an entry for this variant (Variation ID: 1070316). For these reasons, this variant has been classified as Pathogenic.

Literature cited by the submitters: PubMed 25452441 (cited by Women's Health and Genetics/Laboratory Corporation of America, LabCorp and Labcorp Genetics (formerly Invitae), Labcorp); PubMed 20104584 (cited by Labcorp Genetics (formerly Invitae), Labcorp).